The following is an entry in ClinVar:

NM_001077350.3(NPRL3):c.1112C>T (p.Pro371Leu)

Genes: HBA-LCR (alpha-globin locus control region; plus strand), NPRL3 (NPR3 like, GATOR1 complex subunit; minus strand). Cytogenetic location: 16p13.3.
Variant type: single nucleotide variant.
Coding change: c.1112C>T on transcript NM_001077350.3 (MANE Select); coding-DNA position 1112, C replaced by T.
Protein change: p.Pro371Leu; replaces proline 371 with leucine.
Molecular consequence: missense variant.
Genome position (GRCh38, 1-based): chr16:92,645, G>A on the plus strand (C>T on the coding strand, the complement: NPRL3 is on the minus strand). VCF-style: chr16-92645-G-A. GRCh37 (hg19) VCF-style: chr16-142643-G-A.
Other names: c.575C>T, p.Pro192Leu (NM_001039476.3); c.878C>T, p.Pro293Leu (NM_001243247.2); c.1037C>T, p.Pro346Leu (NM_001243248.2, NM_001243249.2); c.1112C>T (NM_001077350.2); short protein forms P192L, P293L, P346L, P371L.
Identifiers: ClinVar variation 1035584 (VCV001035584.39), dbSNP rs747324879, ClinGen allele CA7769449.
Genomic context (GRCh38, chr16:92,645, plus strand): 5'-CTGTGACTCACCTCCTGCACAGCGGGGGCCAGGGGATTCCTAAATTCTGACAAGGAGACC[G>A]GCAAGGAGAACTTGGCAAGAACGGACGGCAGGTCATGAGATGGGAACTGGTGGGAGAACT-3'
Protein context (NP_001070818.1, residues 361-381): LPSVLAKFSL[Pro371Leu]VSLSEFRNPL

ClinVar aggregate classification (germline): Uncertain significance. Review status: criteria provided, multiple submitters, no conflicts (2 of 4 stars). 4 submissions from 4 submitters: Uncertain significance (4). Last evaluated 2026-05-26.

Conditions:
Epilepsy, familial focal, with variable foci 3 (FFEVF3). Identifiers: MedGen C4310708, MONDO:0014925, OMIM 617118.
Inborn genetic diseases. Identifiers: MedGen C0950123, MeSH D030342.

Allele frequency attached by ClinVar (database versions not stated): gnomAD 0.00001; gnomAD exomes 0.00001; TOPMed 0.00001; ExAC 0.00002.
gnomAD v4.1: 13 of 1,613,618 alleles (0.00081%); highest among the groups gnomAD compares: Admixed American, 0.0033%; no homozygotes.

Submissions (4):

Ambry Genetics
Classification: Uncertain significance for Inborn genetic diseases. Last evaluated: 2026-05-26. Review status: criteria provided, single submitter. Criteria: Ambry Variant Classification Scheme 2023. Collection method: clinical testing. Allele origin: germline.
Comment: The c.1112C>T (p.P371L) alteration is located in exon 11 (coding exon 10) of the NPRL3 gene. This alteration results from a C to T substitution at nucleotide position 1112, causing the proline (P) at amino acid position 371 to be replaced by a leucine (L). Based on data from gnomAD, the T allele has an overall frequency of 0.001% (4/279800) total alleles studied. The highest observed frequency was 0.004% (1/25008) of European (Finnish) alleles. Based on insufficient or conflicting evidence, the clinical significance of this alteration remains unclear.

Blueprint Genetics
Classification: Uncertain significance. Last evaluated: 2024-10-04. Review status: criteria provided, single submitter. Criteria: ACMG Guidelines, 2015. Collection method: clinical testing. Allele origin: germline.

CeGaT Center for Human Genetics Tuebingen
Classification: Uncertain significance. Last evaluated: 2023-05-01. Review status: criteria provided, single submitter. Criteria: CeGaT Center For Human Genetics Tuebingen Variant Classification Criteria Version 2. Collection method: clinical testing. Allele origin: germline. Affected: yes. Observed: 1 variant allele.

Labcorp Genetics (formerly Invitae), Labcorp
Classification: Uncertain significance for Epilepsy, familial focal, with variable foci 3. Last evaluated: 2022-08-21. Review status: criteria provided, single submitter. Criteria: Invitae Variant Classification Sherloc (09022015). Collection method: clinical testing. Allele origin: germline.
Comment: In summary, the available evidence is currently insufficient to determine the role of this variant in disease. Therefore, it has been classified as a Variant of Uncertain Significance. Experimental studies and prediction algorithms are not available or were not evaluated, and the functional significance of this variant is currently unknown. ClinVar contains an entry for this variant (Variation ID: 1035584). This variant has not been reported in the literature in individuals affected with NPRL3-related conditions. This variant is present in population databases (rs747324879, gnomAD 0.004%). This sequence change replaces proline, which is neutral and non-polar, with leucine, which is neutral and non-polar, at codon 371 of the NPRL3 protein (p.Pro371Leu).